The following is an entry in ClinVar:

ClinVar aggregate classification (germline): Likely benign (1 of 4 stars; one submission).

Allele frequency attached by ClinVar (database versions not stated): TOPMed below 0.00001; ExAC 0.00001; gnomAD exomes 0.00001.
gnomAD v4.1: 29 of 1,614,092 alleles (0.0018%); highest among the groups gnomAD compares: African/African-American, 0.021%; 1 homozygote.

Submission:

CeGaT Center for Human Genetics Tuebingen
Classification: Likely benign. Last evaluated: 2022-06-01. Review status: criteria provided, single submitter. Criteria: CeGaT Center For Human Genetics Tuebingen Variant Classification Criteria Version 2. Collection method: clinical testing. Allele origin: germline. Affected: yes. Observed: 1 variant allele.
Comment: TMF1: BP4, BP7

NM_007114.3(TMF1):c.969T>C (p.Phe323=)

Gene: TMF1 (TATA element modulatory factor 1; minus strand). Cytogenetic location: 3p14.1.
Variant type: single nucleotide variant.
Coding change: c.969T>C on transcript NM_007114.3 (MANE Select); coding-DNA position 969, T replaced by C.
Protein change: p.Phe323=; no amino-acid change (phenylalanine 323 retained).
Molecular consequence: synonymous variant.
Genome position (GRCh38, 1-based): chr3:69,047,736, A>G on the plus strand (T>C on the coding strand, the complement: TMF1 is on the minus strand). VCF-style: chr3-69047736-A-G. GRCh37 (hg19) VCF-style: chr3-69096887-A-G.
Other names: c.969T>C, p.Phe323= (NM_001363879.1).
Identifiers: ClinVar variation 2653958 (VCV002653958.24), dbSNP rs753734674, ClinGen allele CA2487712.
Genomic context (GRCh38, chr3:69,047,736, plus strand): 5'-ATTGATTTCACTTACACTCCGGCTATCTAATGACTGTACACTAAATGAGTCTATTCTTTC[A>G]AAAGCATCAGATGAACAGCAACTCTCAGTGAGTTTTTGGAAATCATCTAAACGATTATAT-3'
Protein context (NP_009045.2, residues 313-333): LTESCCSSDA[Phe323=]ERIDSFSVQS